The following is an entry in ClinVar:

ClinVar aggregate classification (germline): Uncertain significance (1 of 4 stars; one submission).

Conditions:
Hereditary cancer-predisposing syndrome. Also called: Tumor predisposition; Neoplastic Syndromes, Hereditary; Hereditary neoplastic syndrome; Hereditary Cancer Syndrome. Identifiers: Orphanet 140162, MedGen C0027672, MeSH D009386, MONDO:0015356.

Submission:

Ambry Genetics
Classification: Uncertain significance for Hereditary cancer-predisposing syndrome. Last evaluated: 2025-08-27. Review status: criteria provided, single submitter. Criteria: Ambry Variant Classification Scheme 2023. Collection method: clinical testing. Allele origin: germline.
Comment: The p.W427C variant (also known as c.1281G>C), located in coding exon 13 of the MUTYH gene, results from a G to C substitution at nucleotide position 1281. The tryptophan at codon 427 is replaced by cysteine, an amino acid with highly dissimilar properties. This amino acid position is conserved. In addition, this alteration is predicted to be deleterious by in silico analysis. Based on the available evidence, the clinical significance of this variant remains unclear.

NM_001048174.2(MUTYH):c.1197G>C (p.Trp399Cys)

Gene: MUTYH (mutY DNA glycosylase; minus strand). Cytogenetic location: 1p34.1.
Variant type: single nucleotide variant.
Coding change: c.1197G>C on transcript NM_001048174.2 (MANE Select); coding-DNA position 1197, G replaced by C.
Protein change: p.Trp399Cys; replaces tryptophan 399 with cysteine.
Molecular consequence: missense variant. On other transcripts: non-coding transcript variant (7).
Genome position (GRCh38, 1-based): chr1:45,331,462, C>G on the plus strand (G>C on the coding strand, the complement: MUTYH is on the minus strand). VCF-style: chr1-45331462-C-G. GRCh37 (hg19) VCF-style: chr1-45797134-C-G.
Other names: c.1197G>C, p.Trp399Cys (NM_001048171.2, NM_001048173.2, NM_001407081.1 and 6 more transcripts); c.1200G>C, p.Trp400Cys (NM_001048172.2, NM_001407078.1, NM_001407086.1 and 1 more transcripts); c.1281G>C, p.Trp427Cys (NM_001128425.2); c.1242G>C, p.Trp414Cys (NM_001293190.2); c.1230G>C, p.Trp410Cys (NM_001293191.2, NM_001407077.1, NM_001407069.1); c.921G>C, p.Trp307Cys (NM_001293192.2, NM_001293196.2, NM_001407091.1); c.1158G>C, p.Trp386Cys (NM_001407079.1); c.1155G>C, p.Trp385Cys (NM_001407080.1); and 5 more; short protein forms W284C, W400C, W427C, W371C, W385C, W413C, W424C, W307C.
Identifiers: ClinVar variation 4113148 (VCV004113148.1).
Genomic context (GRCh38, chr1:45,331,462, plus strand): 5'-ATTCCGCTGCTCACTTACCTCCCCAAGGTGCCGGAGGTGCGTGGCTGGGAGGGGCCCAGC[C>G]CAACGCTGTAGTTCCTGCAGCAGGGCCTTGCGCTGAAGCTGCTCTGAGGGCTCCCAGGTC-3'
Protein context (NP_001041639.1, residues 389-409): RKALLQELQR[Trp399Cys]AGPLPATHLR